The following is an entry in ClinVar:

ClinVar aggregate classification (germline): Uncertain significance (1 of 4 stars; one submission).

Conditions:
Juvenile polyposis syndrome (JPS). Identifiers: Orphanet 2929, MedGen C0345893, MONDO:0017380, OMIM 174900.

Submission:

Labcorp Genetics (formerly Invitae), Labcorp
Classification: Uncertain significance for Juvenile polyposis syndrome. Last evaluated: 2021-09-09. Review status: criteria provided, single submitter. Criteria: Invitae Variant Classification Sherloc (09022015). Collection method: clinical testing. Allele origin: germline.
Comment: This sequence change falls in intron 7 of the BMPR1A gene. It does not directly change the encoded amino acid sequence of the BMPR1A protein. It affects a nucleotide within the consensus splice site of the intron. This variant is not present in population databases (ExAC no frequency). This variant has not been reported in the literature in individuals affected with BMPR1A-related conditions. Variants that disrupt the consensus splice site are a relatively common cause of aberrant splicing (PMID: 17576681, 9536098). Algorithms developed to predict the effect of sequence changes on RNA splicing suggest that this variant is not likely to affect RNA splicing. In summary, the available evidence is currently insufficient to determine the role of this variant in disease. Therefore, it has been classified as a Variant of Uncertain Significance.

Literature cited by the submitters: PubMed 17576681; PubMed 9536098.

NM_004329.3(BMPR1A):c.530+6A>C

Gene: BMPR1A (bone morphogenetic protein receptor type 1A; plus strand). Cytogenetic location: 10q23.2.
Variant type: single nucleotide variant.
Coding change: c.530+6A>C on transcript NM_004329.3 (MANE Select); 6 bases into the intron after coding-DNA position 530, A replaced by C.
Molecular consequence: intron variant.
Genome position (GRCh38, 1-based): chr10:86,900,132, A>C. VCF-style: chr10-86900132-A-C. GRCh37 (hg19) VCF-style: chr10-88659889-A-C.
Identifiers: ClinVar variation 1380207 (VCV001380207.6), dbSNP rs2133458229, ClinGen allele CA2573145709.
Genomic context (GRCh38, chr10:86,900,132, plus strand): 5'-CTATGGCTGTCTGCATAATTGCTATGATCATCTTCTCCAGCTGCTTTTGTTACAAGTAAG[A>C]AGATATTTATTTTGAAGCAAAATATTTTGTCAAATATTAGATGTCAACCGCTGTTTGTAA-3'